The following is an entry in ClinVar:

ClinVar aggregate classification (germline): Likely benign. Review status: criteria provided, multiple submitters, no conflicts (2 of 4 stars). 2 submissions from 2 submitters: Likely benign (2). Last evaluated 2026-05-22.

Conditions:
CFAP410-related disorder. Also called: CFAP410-related condition.

gnomAD v4.1: 69 of 1,549,846 alleles (0.0045%); highest among the groups gnomAD compares: Middle Eastern, 0.017%; no homozygotes.

Submissions (2):

PreventionGenetics, part of Exact Sciences
Classification: Likely benign for CFAP410-related condition. Last evaluated: 2026-05-22. Review status: criteria provided, single submitter. Criteria: ACMG Guidelines, 2015. Collection method: clinical testing. Allele origin: germline.
Comment: This variant is classified as likely benign based on ACMG/AMP sequence variant interpretation guidelines (Richards et al. 2015 PMID: 25741868, with internal and published modifications).

Blueprint Genetics
Classification: Likely benign. Last evaluated: 2022-03-16. Review status: criteria provided, single submitter. Criteria: ACMG Guidelines, 2015. Collection method: clinical testing. Allele origin: germline.

NM_004928.3(CFAP410):c.642+201G>A

Gene: CFAP410 (cilia and flagella associated protein 410; minus strand). Cytogenetic location: 21q22.3.
Variant type: single nucleotide variant.
Coding change: c.642+201G>A on transcript NM_004928.3 (MANE Select); 201 bases into the intron after coding-DNA position 642, G replaced by A.
Molecular consequence: intron variant. On other transcripts: synonymous variant (1).
Genome position (GRCh38, 1-based): chr21:44,330,622, C>T on the plus strand (G>A on the coding strand, the complement: CFAP410 is on the minus strand). VCF-style: chr21-44330622-C-T. GRCh37 (hg19) VCF-style: chr21-45750505-C-T.
Other names: c.840G>A (NM_001271441.1); c.840G>A, p.Pro280= (NM_001271441.2); c.639+201G>A (NM_001271440.2); c.516+201G>A (NM_001271442.1).
Identifiers: ClinVar variation 4946468 (VCV004946468.2).